The following is an entry in ClinVar:

NM_002474.3(MYH11):c.3850A>G (p.Lys1284Glu)

Gene: MYH11 (myosin heavy chain 11; minus strand). Cytogenetic location: 16p13.11.
Variant type: single nucleotide variant.
Coding change: c.3850A>G on transcript NM_002474.3 (MANE Select); coding-DNA position 3850, A replaced by G.
Protein change: p.Lys1284Glu; replaces lysine 1284 with glutamic acid.
Molecular consequence: missense variant.
Genome position (GRCh38, 1-based): chr16:15,726,856, T>C on the plus strand (A>G on the coding strand, the complement: MYH11 is on the minus strand). VCF-style: chr16-15726856-T-C. GRCh37 (hg19) VCF-style: chr16-15820713-T-C.
Other names: c.3871A>G, p.Lys1291Glu (NM_001040113.2, NM_001040114.2); c.3850A>G, p.Lys1284Glu (NM_022844.3); short protein forms K1284E, K1291E.
Identifiers: ClinVar variation 4055843 (VCV004055843.3).

ClinVar aggregate classification (germline): Uncertain significance. Review status: criteria provided, multiple submitters, no conflicts (2 of 4 stars). 3 submissions from 3 submitters: Uncertain significance (3). Last evaluated 2025-12-09.

Conditions:
Familial thoracic aortic aneurysm and aortic dissection (TAAD). Also called: Thoracic aortic aneurysms and dissections. Identifiers: Orphanet 91387, MedGen C4707243, MONDO:0019625.

gnomAD v4.1: 7 of 1,611,948 alleles (0.00043%); highest among the groups gnomAD compares: South Asian, 0.0077%; no homozygotes.

Submissions (3):

Ambry Genetics
Classification: Uncertain significance for Familial thoracic aortic aneurysm and aortic dissection. Last evaluated: 2025-12-09. Review status: criteria provided, single submitter. Criteria: Ambry Variant Classification Scheme 2023. Collection method: clinical testing. Allele origin: germline.

GeneDx
Classification: Uncertain significance. Last evaluated: 2025-01-01. Review status: criteria provided, single submitter. Criteria: GeneDx Variant Classification Process June 2021. Collection method: clinical testing. Allele origin: germline. Affected: yes.
Comment: Not observed at significant frequency in large population cohorts (gnomAD); In silico analysis supports that this missense variant has a deleterious effect on protein structure/function; Has not been previously published as pathogenic or benign to our knowledge

Blueprint Genetics
Classification: Uncertain significance. Last evaluated: 2021-05-25. Review status: criteria provided, single submitter. Criteria: ACMG Guidelines, 2015. Collection method: clinical testing. Allele origin: germline.